The following is an entry in ClinVar:

NM_001197104.2(KMT2A):c.1141A>G (p.Lys381Glu)

Gene: KMT2A (lysine methyltransferase 2A; plus strand). Cytogenetic location: 11q23.3.
Variant type: single nucleotide variant.
Coding change: c.1141A>G on transcript NM_001197104.2 (MANE Select); coding-DNA position 1141, A replaced by G.
Protein change: p.Lys381Glu; replaces lysine 381 with glutamic acid.
Molecular consequence: missense variant.
Genome position (GRCh38, 1-based): chr11:118,472,300, A>G. VCF-style: chr11-118472300-A-G. GRCh37 (hg19) VCF-style: chr11-118343015-A-G.
Other names: c.1240A>G, p.Lys414Glu (NM_001412597.1); c.1141A>G, p.Lys381Glu (NM_005933.4); short protein forms K381E, K414E.
Identifiers: ClinVar variation 2574920 (VCV002574920.2), dbSNP rs2496796426, ClinGen allele CA382809350.
Genomic context (GRCh38, chr11:118,472,300, plus strand): 5'-ATTCCTTCTTCAAAAAGGACAGATGCAACCATTGCTAAGCAACTCTTACAGAGGGCAAAA[A>G]AGGGGGCTCAAAAGAAAATTGAAAAAGAAGCAGCTCAGCTGCAGGGAAGAAAGGTGAAGA-3'
Protein context (NP_001184033.1, residues 371-391): IAKQLLQRAK[Lys381Glu]GAQKKIEKEA

ClinVar aggregate classification (germline): Uncertain significance (1 of 4 stars; one submission).

Submission:

GeneDx
Classification: Uncertain significance. Last evaluated: 2024-05-23. Review status: criteria provided, single submitter. Criteria: GeneDx Variant Classification Process June 2021. Collection method: clinical testing. Allele origin: germline. Affected: yes.
Comment: Not observed at significant frequency in large population cohorts (gnomAD); In silico analysis supports that this missense variant does not alter protein structure/function; Has not been previously published as pathogenic or benign to our knowledge